The following is an entry in ClinVar:

NM_000069.3(CACNA1S):c.818C>T (p.Thr273Ile)

Gene: CACNA1S (calcium voltage-gated channel subunit alpha1 S; minus strand). Cytogenetic location: 1q32.1.
Variant type: single nucleotide variant.
Coding change: c.818C>T on transcript NM_000069.3 (MANE Select); coding-DNA position 818, C replaced by T.
Protein change: p.Thr273Ile; replaces threonine 273 with isoleucine.
Molecular consequence: missense variant.
Genome position (GRCh38, 1-based): chr1:201,089,340, G>A on the plus strand (C>T on the coding strand, the complement: CACNA1S is on the minus strand). VCF-style: chr1-201089340-G-A. GRCh37 (hg19) VCF-style: chr1-201058468-G-A.
Other names: short protein forms T273I.
Identifiers: ClinVar variation 1450890 (VCV001450890.6), dbSNP rs2102160364, ClinGen allele CA344135521.

ClinVar aggregate classification (germline): Uncertain significance (1 of 4 stars; one submission).

Conditions:
Hypokalemic periodic paralysis, type 1. Also called: Hypokalemic Periodic Paralysis Type 1 (AD); HypoPP. Identifiers: Orphanet 681, MedGen C3714580, MONDO:0042979, OMIM 170400.
Malignant hyperthermia, susceptibility to, 5 (MHS5). Also called: CACNA1S-Related Malignant Hyperthermia Susceptibility. Identifiers: Orphanet 423, MedGen C1866077, MONDO:0011163, OMIM 601887.

Submission:

Labcorp Genetics (formerly Invitae), Labcorp
Classification: Uncertain significance for Hypokalemic periodic paralysis, type 1; Malignant hyperthermia, susceptibility to, 5. Last evaluated: 2022-03-08. Review status: criteria provided, single submitter. Criteria: Invitae Variant Classification Sherloc (09022015). Collection method: clinical testing. Allele origin: germline.
Comment: This variant has not been reported in the literature in individuals affected with CACNA1S-related conditions. This variant is not present in population databases (gnomAD no frequency). This sequence change replaces threonine, which is neutral and polar, with isoleucine, which is neutral and non-polar, at codon 273 of the CACNA1S protein (p.Thr273Ile). Advanced modeling of protein sequence and biophysical properties (such as structural, functional, and spatial information, amino acid conservation, physicochemical variation, residue mobility, and thermodynamic stability) performed at Invitae indicates that this missense variant is not expected to disrupt CACNA1S protein function. In summary, the available evidence is currently insufficient to determine the role of this variant in disease. Therefore, it has been classified as a Variant of Uncertain Significance.